The following is an entry in ClinVar:

ClinVar aggregate classification (germline): Uncertain significance (1 of 4 stars; one submission).

Conditions:
Dilated cardiomyopathy 1W (CMD1W). Identifiers: Orphanet 154, MedGen C1969639, MONDO:0012667, OMIM 611407.

gnomAD v4.1: 1 of 1,614,032 alleles (0.000062%); highest among the groups gnomAD compares: Non-Finnish European, 0.000085%; no homozygotes.

Submission:

Labcorp Genetics (formerly Invitae), Labcorp
Classification: Uncertain significance for Dilated cardiomyopathy 1W. Last evaluated: 2024-08-10. Review status: criteria provided, single submitter. Criteria: Invitae Variant Classification Sherloc (09022015). Collection method: clinical testing. Allele origin: germline.
Comment: This sequence change replaces methionine, which is neutral and non-polar, with isoleucine, which is neutral and non-polar, at codon 587 of the VCL protein (p.Met587Ile). This variant is not present in population databases (gnomAD no frequency). This variant has not been reported in the literature in individuals affected with VCL-related conditions. An algorithm developed to predict the effect of missense changes on protein structure and function (PolyPhen-2) suggests that this variant is likely to be disruptive. In summary, the available evidence is currently insufficient to determine the role of this variant in disease. Therefore, it has been classified as a Variant of Uncertain Significance.

NM_014000.3(VCL):c.1761G>A (p.Met587Ile)

Gene: VCL (vinculin; plus strand). Cytogenetic location: 10q22.2.
Variant type: single nucleotide variant.
Coding change: c.1761G>A on transcript NM_014000.3 (MANE Select); coding-DNA position 1761, G replaced by A.
Protein change: p.Met587Ile; replaces methionine 587 with isoleucine.
Molecular consequence: missense variant.
Genome position (GRCh38, 1-based): chr10:74,097,221, G>A. VCF-style: chr10-74097221-G-A. GRCh37 (hg19) VCF-style: chr10-75856979-G-A.
Other names: c.1761G>A, p.Met587Ile (NM_003373.4); short protein forms M587I.
Identifiers: ClinVar variation 3711802 (VCV003711802.2).
Genomic context (GRCh38, chr10:74,097,221, plus strand): 5'-AGGATGTATCTGGACATTTTCATATGTAAACAATGTTTTTAAGGATCTAAAAGCTCGGAT[G>A]CAGGAGGCCATGACTCAGGAAGTGTCAGATGTTTTCAGCGATACCACAACTCCCATCAAG-3'
Protein context (NP_054706.1, residues 577-597): QDSLKDLKAR[Met587Ile]QEAMTQEVSD